The following is an entry in ClinVar:

ClinVar aggregate classification (germline): Uncertain significance (1 of 4 stars; one submission).

Conditions:
Inborn genetic diseases. Identifiers: MedGen C0950123, MeSH D030342.

Submission:

Ambry Genetics
Classification: Uncertain significance for Inborn genetic diseases. Last evaluated: 2026-08-27. Review status: criteria provided, single submitter. Criteria: Ambry Variant Classification Scheme 2023. Collection method: clinical testing. Allele origin: germline.
Comment: The p.A443T variant (also known as c.1327G>A), located in coding exon 12 of the ASXL1 gene, results from a G to A substitution at nucleotide position 1327. The alanine at codon 443 is replaced by threonine, an amino acid with similar properties. This amino acid position is conserved. In addition, this alteration is predicted to be tolerated by in silico analysis. Based on the available evidence, the clinical significance of this variant remains unclear.

NM_015338.6(ASXL1):c.1327G>A (p.Ala443Thr)

Gene: ASXL1 (ASXL transcriptional regulator 1; plus strand). Cytogenetic location: 20q11.21.
Variant type: single nucleotide variant.
Coding change: c.1327G>A on transcript NM_015338.6 (MANE Select); coding-DNA position 1327, G replaced by A.
Protein change: p.Ala443Thr; replaces alanine 443 with threonine.
Molecular consequence: missense variant.
Genome position (GRCh38, 1-based): chr20:32,433,525, G>A. VCF-style: chr20-32433525-G-A. GRCh37 (hg19) VCF-style: chr20-31021328-G-A.
Other names: c.1144G>A, p.Ala382Thr (NM_001363734.1); short protein forms A382T, A443T.
Identifiers: ClinVar variation 5030394 (VCV005030394.1).